The following is an entry in ClinVar:

ClinVar aggregate classification (germline): Uncertain significance. Review status: criteria provided, multiple submitters, no conflicts (2 of 4 stars). 2 submissions from 2 submitters: Uncertain significance (2). Last evaluated 2023-11-07.

Conditions:
Muscle AMP deaminase deficiency (MMDD). Also called: AMPD1 DEFICIENCY; ADENOSINE MONOPHOSPHATE DEAMINASE-1 DEFICIENCY, MYOPATHY DUE TO; Myoadenylate deaminase deficiency, myopathy due to; Adenosine monophosphate deaminase 1 deficiency; AMP deaminase 1 deficiency; Adenosine Monophosphate Deaminase 1. Identifiers: Orphanet 45, MedGen C3714933, MONDO:0014220, OMIM 615511.

Allele frequency attached by ClinVar (database versions not stated): gnomAD 0.00001; TOPMed 0.00001; ExAC 0.00002; gnomAD exomes 0.00002.
gnomAD v4.1: 30 of 1,611,468 alleles (0.0019%); highest among the groups gnomAD compares: East Asian, 0.0067%; no homozygotes.

Submissions (2):

Greenwood Genetic Center Diagnostic Laboratories, Greenwood Genetic Center
Classification: Uncertain significance. Last evaluated: 2023-11-07. Review status: criteria provided, single submitter. Criteria: ACMG Guidelines, 2015. Collection method: clinical testing. Allele origin: germline. Affected: yes.
Comment: PM2, BP4

Labcorp Genetics (formerly Invitae), Labcorp
Classification: Uncertain significance for Muscle AMP deaminase deficiency. Last evaluated: 2022-06-07. Review status: criteria provided, single submitter. Criteria: Invitae Variant Classification Sherloc (09022015). Collection method: clinical testing. Allele origin: germline.
Comment: This sequence change replaces valine, which is neutral and non-polar, with isoleucine, which is neutral and non-polar, at codon 477 of the AMPD1 protein (p.Val477Ile). This variant is present in population databases (rs760431058, gnomAD 0.006%). This variant has not been reported in the literature in individuals affected with AMPD1-related conditions. Algorithms developed to predict the effect of missense changes on protein structure and function (SIFT, PolyPhen-2, Align-GVGD) all suggest that this variant is likely to be tolerated. Algorithms developed to predict the effect of sequence changes on RNA splicing suggest that this variant may disrupt the consensus splice site. In summary, the available evidence is currently insufficient to determine the role of this variant in disease. Therefore, it has been classified as a Variant of Uncertain Significance.

NM_000036.3(AMPD1):c.1330G>A (p.Val444Ile)

Gene: AMPD1 (adenosine monophosphate deaminase 1; minus strand). Cytogenetic location: 1p13.2.
Variant type: single nucleotide variant.
Coding change: c.1330G>A on transcript NM_000036.3 (MANE Select); coding-DNA position 1330, G replaced by A.
Protein change: p.Val444Ile; replaces valine 444 with isoleucine.
Molecular consequence: missense variant.
Genome position (GRCh38, 1-based): chr1:114,677,409, C>T on the plus strand (G>A on the coding strand, the complement: AMPD1 is on the minus strand). VCF-style: chr1-114677409-C-T. GRCh37 (hg19) VCF-style: chr1-115220030-C-T.
Other names: c.1429G>A (NM_000036.2); c.1318G>A, p.Val440Ile (NM_001172626.2); short protein forms V440I, V444I.
Identifiers: ClinVar variation 2046342 (VCV002046342.3), dbSNP rs760431058, ClinGen allele CA1020153.